The following is an entry in ClinVar:

ClinVar aggregate classification (germline): Likely benign. Review status: criteria provided, single submitter (1 of 4 stars). 2 submissions from 2 submitters: Likely benign (1). 1 of the submissions does not count toward it. Last evaluated 2022-07-13.

Conditions:
RAI1-related disorder. Also called: RAI1-related condition.

Allele frequency attached by ClinVar (database versions not stated): TOPMed 0.00001; gnomAD 0.00001.
gnomAD v4.1: 16 of 1,609,818 alleles (0.00099%); highest among the groups gnomAD compares: South Asian, 0.0055%; no homozygotes.

Submissions (2):

Labcorp Genetics (formerly Invitae), Labcorp
Classification: Likely benign. Last evaluated: 2022-07-13. Review status: criteria provided, single submitter. Criteria: Invitae Variant Classification Sherloc (09022015). Collection method: clinical testing. Allele origin: germline.

PreventionGenetics, part of Exact Sciences
Classification: Likely benign for RAI1-related condition. Last evaluated: 2021-05-18. Review status: no assertion criteria provided. Collection method: clinical testing. Allele origin: germline. Not counted in ClinVar's aggregate classification.
Comment: This variant is classified as likely benign based on ACMG/AMP sequence variant interpretation guidelines (Richards et al. 2015 PMID: 25741868, with internal and published modifications).

NM_030665.4(RAI1):c.5448C>T (p.Gly1816=)

Gene: RAI1 (retinoic acid induced 1; plus strand). Cytogenetic location: 17p11.2.
Variant type: single nucleotide variant.
Coding change: c.5448C>T on transcript NM_030665.4 (MANE Select); coding-DNA position 5448, C replaced by T.
Protein change: p.Gly1816=; no amino-acid change (glycine 1816 retained).
Molecular consequence: synonymous variant.
Genome position (GRCh38, 1-based): chr17:17,798,396, C>T. VCF-style: chr17-17798396-C-T. GRCh37 (hg19) VCF-style: chr17-17701710-C-T.
Other names: c.5448C>T (NM_030665.3).
Identifiers: ClinVar variation 2062207 (VCV002062207.5), dbSNP rs759987462, ClinGen allele CA8419162.